The following is an entry in ClinVar:

NM_000787.4(DBH):c.1645C>T (p.Arg549Cys)

Genes: DBH (dopamine beta-hydroxylase; plus strand), DBH-AS1 (DBH antisense RNA 1; minus strand). Cytogenetic location: 9q34.2.
Variant type: single nucleotide variant.
Coding change: c.1645C>T on transcript NM_000787.4 (MANE Select); coding-DNA position 1645, C replaced by T.
Protein change: p.Arg549Cys; replaces arginine 549 with cysteine.
Molecular consequence: missense variant. On other transcripts: non-coding transcript variant (1).
Genome position (GRCh38, 1-based): chr9:133,657,152, C>T. VCF-style: chr9-133657152-C-T. GRCh37 (hg19) VCF-style: chr9-136522274-C-T.
Other names: short protein forms R549C.
Identifiers: ClinVar variation 365671 (VCV000365671.17), dbSNP rs6271, ClinGen allele CA5313632.
Genomic context (GRCh38, chr9:133,657,152, plus strand): 5'-ACCTGCCCTCAGGCGTCCGTGTCTCAGCAGTTCACCTCTGTTCCCTGGAACTCCTTCAAC[C>T]GCGACGTACTGAAGGCCCTGTACAGCTTCGCGCCCATCTCCATGCACTGCAACAAGTCCT-3'
Protein context (NP_000778.3, residues 539-559): FTSVPWNSFN[Arg549Cys]DVLKALYSFA

ClinVar aggregate classification (germline): Benign. Review status: criteria provided, multiple submitters, no conflicts (2 of 4 stars). 5 submissions from 5 submitters: Benign (5). Last evaluated 2026-02-03.

Conditions:
Orthostatic hypotension 1 (ORTHYP1). Also called: Dopamine beta-hydroxylase deficiency; Orthostatic hypotension 1, due to DBH deficiency; NORADRENALINE DEFICIENCY; NOREPINEPHRINE DEFICIENCY. Identifiers: Orphanet 230, MedGen C4746777, MONDO:0009123, OMIM 223360.

Allele frequency attached by ClinVar (database versions not stated): 1000 Genomes Project 0.02077; 1000 Genomes Project 30x 0.02202; ExAC 0.04534; TOPMed 0.04580; gnomAD exomes 0.04606; gnomAD 0.04736 and 0.04899; ESP Exome Variant Server 0.05482.
gnomAD v4.1: 99,238 of 1,614,048 alleles (6.1%); highest among the groups gnomAD compares: Non-Finnish European, 7.2%; 3,557 homozygotes.

Submissions (5):

Labcorp Genetics (formerly Invitae), Labcorp
Classification: Benign for Orthostatic hypotension 1. Last evaluated: 2026-02-03. Review status: criteria provided, single submitter. Criteria: Invitae Variant Classification Sherloc (09022015). Collection method: clinical testing. Allele origin: germline.

Blueprint Genetics
Classification: Benign. Last evaluated: 2024-11-27. Review status: criteria provided, single submitter. Criteria: ACMG Guidelines, 2015. Collection method: clinical testing. Allele origin: germline.

GeneDx
Classification: Benign. Last evaluated: 2019-08-22. Review status: criteria provided, single submitter. Criteria: GeneDx Variant Classification Process June 2021. Collection method: clinical testing. Allele origin: germline. Affected: yes.
Comment: This variant is associated with the following publications: (PMID: 21085059, 30817802, 16152569, 22028891, 21509519)

Illumina Laboratory Services, Illumina
Classification: Benign for Orthostatic hypotension 1. Last evaluated: 2018-03-06. Review status: criteria provided, single submitter. Criteria: ICSL Variant Classification Criteria 13 December 2019. Collection method: clinical testing. Allele origin: germline.
Comment: This variant was observed in the ICSL laboratory as part of a predisposition screen in an ostensibly healthy population. It had not been previously curated by ICSL or reported in the Human Gene Mutation Database (HGMD: prior to June 1st, 2018), and was therefore a candidate for classification through an automated scoring system. Utilizing variant allele frequency, disease prevalence and penetrance estimates, and inheritance mode, an automated score was calculated to assess if this variant is too frequent to cause the disease. Based on the score and internal cut-off values, a variant classified as benign is not then subjected to further curation. The score for this variant resulted in a classification of benign for this disease.

Breakthrough Genomics
Classification: Benign. Review status: criteria provided, single submitter. Criteria: ACMG Guidelines, 2015. Collection method: not provided. Allele origin: germline. Inheritance: Autosomal recessive inheritance. Affected: yes.